The following is an entry in ClinVar:

NM_018297.4(NGLY1):c.452A>G (p.Asn151Ser)

Gene: NGLY1 (N-glycanase 1; minus strand). Cytogenetic location: 3p24.2.
Variant type: single nucleotide variant.
Coding change: c.452A>G on transcript NM_018297.4 (MANE Select); coding-DNA position 452, A replaced by G.
Protein change: p.Asn151Ser; replaces asparagine 151 with serine.
Molecular consequence: missense variant.
Genome position (GRCh38, 1-based): chr3:25,764,106, T>C on the plus strand (A>G on the coding strand, the complement: NGLY1 is on the minus strand). VCF-style: chr3-25764106-T-C. GRCh37 (hg19) VCF-style: chr3-25805597-T-C.
Other names: c.452A>G, p.Asn151Ser (NM_001145293.2, NM_001145295.2); c.326A>G, p.Asn109Ser (NM_001145294.2); short protein forms N151S, N109S.
Identifiers: ClinVar variation 644315 (VCV000644315.3), dbSNP rs969104465, ClinGen allele CA71669617.
Genomic context (GRCh38, chr3:25,764,106, plus strand): 5'-AGGTTTAATTCTAACATTACCGTTGAAGCAGATGGTGGATCTGATGACTGCCCTTGACGG[T>C]TCCTTGTGTGCTGGTTTAACCCACTGGGATTTGAAGATGGTGTTGTAGGAAGCTGGGTAC-3'
Protein context (NP_060767.2, residues 141-161): NPSGLNQHTR[Asn151Ser]RQGQSSDPPS

ClinVar aggregate classification (germline): Uncertain significance (1 of 4 stars; one submission).

Conditions:
Congenital disorder of deglycosylation (CDDG). Identifiers: MedGen C3808991, MONDO:0031376.

Allele frequency attached by ClinVar (database versions not stated): TOPMed 0.00005; gnomAD exomes below 0.00001; gnomAD 0.00002.
gnomAD v4.1: 5 of 1,614,106 alleles (0.00031%); highest among the groups gnomAD compares: African/African-American, 0.0053%; no homozygotes.

Submission:

Labcorp Genetics (formerly Invitae), Labcorp
Classification: Uncertain significance for Congenital disorder of deglycosylation. Last evaluated: 2022-06-25. Review status: criteria provided, single submitter. Criteria: Invitae Variant Classification Sherloc (09022015). Collection method: clinical testing. Allele origin: germline.
Comment: This sequence change replaces asparagine, which is neutral and polar, with serine, which is neutral and polar, at codon 151 of the NGLY1 protein (p.Asn151Ser). This variant is present in population databases (no rsID available, gnomAD 0.007%). This variant has not been reported in the literature in individuals affected with NGLY1-related conditions. ClinVar contains an entry for this variant (Variation ID: 644315). Algorithms developed to predict the effect of missense changes on protein structure and function output the following: SIFT: "Tolerated"; PolyPhen-2: "Benign"; Align-GVGD: "Class C0". The serine amino acid residue is found in multiple mammalian species, which suggests that this missense change does not adversely affect protein function. In summary, the available evidence is currently insufficient to determine the role of this variant in disease. Therefore, it has been classified as a Variant of Uncertain Significance.